The following is an entry in ClinVar:

NM_004380.3(CREBBP):c.3826G>T (p.Asp1276Tyr)

Gene: CREBBP (CREB binding lysine acetyltransferase; minus strand). Cytogenetic location: 16p13.3.
Variant type: single nucleotide variant.
Coding change: c.3826G>T on transcript NM_004380.3 (MANE Select); coding-DNA position 3826, G replaced by T.
Protein change: p.Asp1276Tyr; replaces aspartic acid 1276 with tyrosine.
Molecular consequence: missense variant.
Genome position (GRCh38, 1-based): chr16:3,749,637, C>A on the plus strand (G>T on the coding strand, the complement: CREBBP is on the minus strand). VCF-style: chr16-3749637-C-A. GRCh37 (hg19) VCF-style: chr16-3799638-C-A.
Other names: c.3712G>T, p.Asp1238Tyr (NM_001079846.1); short protein forms D1276Y, D1238Y.
Identifiers: ClinVar variation 4978455 (VCV004978455.1).

ClinVar aggregate classification (germline): Uncertain significance (1 of 4 stars; one submission).

Conditions:
CREBBP-related disorder. Also called: CREBBP-related disorders; CREBBP-related condition.

Submission:

PreventionGenetics, part of Exact Sciences
Classification: Uncertain significance for CREBBP-related condition. Last evaluated: 2026-06-29. Review status: criteria provided, single submitter. Criteria: ACMG Guidelines, 2015. Collection method: clinical testing. Allele origin: germline.
Comment: The CREBBP c.3826G>T variant is predicted to result in the amino acid substitution p.Asp1276Tyr. To our knowledge, this variant has not been reported in the literature or in a large population database (gnomAD), indicating this variant is rare. At this time, the clinical significance of this variant is uncertain due to the absence of conclusive functional and genetic evidence.